The following is an entry in ClinVar:

ClinVar aggregate classification (germline): Conflicting classifications of pathogenicity. Review status: criteria provided, conflicting classifications (1 of 4 stars). 3 submissions from 3 submitters: Uncertain significance (2); Likely benign (1). Last evaluated 2025-12-30.

Conditions:
Hereditary cancer-predisposing syndrome. Also called: Hereditary Cancer Syndrome; Neoplastic Syndromes, Hereditary; Tumor predisposition; Hereditary neoplastic syndrome. Identifiers: Orphanet 140162, MedGen C0027672, MeSH D009386, MONDO:0015356.
Hereditary breast ovarian cancer syndrome. Also called: Breast and ovarian cancer; Hereditary breast and ovarian cancer; Hereditary breast and/or ovarian cancer syndrome; BRCA1- and BRCA2-Associated Hereditary Breast and Ovarian Cancer; Hereditary breast and ovarian cancer syndrome (HBOC); Hereditary breast and ovarian cancer syndrome. Identifiers: Orphanet 145, MedGen C0677776, MeSH D061325, MONDO:0003582. Disease mechanism: loss of function.

Submissions (3):

Labcorp Genetics (formerly Invitae), Labcorp
Classification: Uncertain significance for Hereditary breast ovarian cancer syndrome. Last evaluated: 2025-12-30. Review status: criteria provided, single submitter. Criteria: Invitae Variant Classification Sherloc (09022015). Collection method: clinical testing. Allele origin: germline.
Comment: This sequence change replaces glutamic acid, which is acidic and polar, with glycine, which is neutral and non-polar, at codon 1726 of the BRCA2 protein (p.Glu1726Gly). This variant is not present in population databases (gnomAD no frequency). This variant has not been reported in the literature in individuals affected with BRCA2-related conditions. ClinVar contains an entry for this variant (Variation ID: 1745826). Invitae Evidence Modeling of protein sequence and biophysical properties (such as structural, functional, and spatial information, amino acid conservation, physicochemical variation, residue mobility, and thermodynamic stability) indicates that this missense variant is not expected to disrupt BRCA2 protein function with a negative predictive value of 95%. In summary, the available evidence is currently insufficient to determine the role of this variant in disease. Therefore, it has been classified as a Variant of Uncertain Significance.

University of Washington Department of Laboratory Medicine, University of Washington
Classification: Likely benign for Hereditary cancer-predisposing syndrome. Last evaluated: 2023-03-23. Review status: criteria provided, single submitter. Criteria: Dines et al. (Genet Med. 2020). Collection method: curation. Allele origin: germline.
Comment: Missense variant in a coldspot region where missense variants are very unlikely to be pathogenic (PMID:31911673).

BRCA2 exon 11 coldspot. Reclassification based on statistical prior probability.

Ambry Genetics
Classification: Uncertain significance for Hereditary cancer-predisposing syndrome. Last evaluated: 2022-04-23. Review status: criteria provided, single submitter. Criteria: Ambry Variant Classification Scheme 2023. Collection method: clinical testing. Allele origin: germline.
Comment: The p.E1726G variant (also known as c.5177A>G), located in coding exon 10 of the BRCA2 gene, results from an A to G substitution at nucleotide position 5177. The glutamic acid at codon 1726 is replaced by glycine, an amino acid with similar properties. This amino acid position is conserved. In addition, this alteration is predicted to be tolerated by in silico analysis. Since supporting evidence is limited at this time, the clinical significance of this alteration remains unclear.

NM_000059.4(BRCA2):c.5177A>G (p.Glu1726Gly)

Gene: BRCA2 (BRCA2 DNA repair associated; plus strand). Cytogenetic location: 13q13.1.
Variant type: single nucleotide variant.
Coding change: c.5177A>G on transcript NM_000059.4 (MANE Select); coding-DNA position 5177, A replaced by G.
Protein change: p.Glu1726Gly; replaces glutamic acid 1726 with glycine.
Molecular consequence: missense variant.
Genome position (GRCh38, 1-based): chr13:32,339,532, A>G. VCF-style: chr13-32339532-A-G. GRCh37 (hg19) VCF-style: chr13-32913669-A-G.
Other names: c.5177A>G, p.Glu1726Gly (NM_001406719.1, NM_001406720.1); short protein forms E1726G.
Identifiers: ClinVar variation 1745826 (VCV001745826.5), dbSNP rs2137514734, ClinGen allele CA387784543.